The following is an entry in ClinVar:

ClinVar aggregate classification (germline): Uncertain significance (1 of 4 stars; one submission).

Submission:

Labcorp Genetics (formerly Invitae), Labcorp
Classification: Uncertain significance. Last evaluated: 2025-10-24. Review status: criteria provided, single submitter. Criteria: Invitae Variant Classification Sherloc (09022015). Collection method: clinical testing. Allele origin: germline.
Comment: This sequence change replaces serine, which is neutral and polar, with tyrosine, which is neutral and polar, at codon 440 of the OPA1 protein (p.Ser440Tyr). This variant is not present in population databases (gnomAD no frequency). This variant has not been reported in the literature in individuals affected with OPA1-related conditions. Invitae Evidence Modeling of protein sequence and biophysical properties (such as structural, functional, and spatial information, amino acid conservation, physicochemical variation, residue mobility, and thermodynamic stability) indicates that this missense variant is expected to disrupt OPA1 protein function with a positive predictive value of 80%. In summary, the available evidence is currently insufficient to determine the role of this variant in disease. Therefore, it has been classified as a Variant of Uncertain Significance.

NM_130837.3(OPA1):c.1484C>A (p.Ser495Tyr)

Gene: OPA1 (OPA1 mitochondrial dynamin like GTPase; plus strand). Cytogenetic location: 3q29.
Variant type: single nucleotide variant.
Coding change: c.1484C>A on transcript NM_130837.3 (MANE Select); coding-DNA position 1484, C replaced by A.
Protein change: p.Ser495Tyr; replaces serine 495 with tyrosine.
Molecular consequence: missense variant.
Genome position (GRCh38, 1-based): chr3:193,643,981, C>A. VCF-style: chr3-193643981-C-A. GRCh37 (hg19) VCF-style: chr3-193361770-C-A.
Other names: c.950C>A, p.Ser317Tyr (NM_001354663.2); c.947C>A, p.Ser316Tyr (NM_001354664.2); c.1319C>A, p.Ser440Tyr (NM_015560.3); c.1211C>A, p.Ser404Tyr (NM_130831.3); c.1265C>A, p.Ser422Tyr (NM_130832.3); c.1322C>A, p.Ser441Tyr (NM_130833.3); c.1373C>A, p.Ser458Tyr (NM_130834.3); c.1376C>A, p.Ser459Tyr (NM_130835.3); and 1 more; short protein forms S440Y, S477Y, S404Y, S422Y, S441Y, S459Y, S495Y, S458Y.
Identifiers: ClinVar variation 4740444 (VCV004740444.1).